The following is an entry in ClinVar:

NM_000297.4(PKD2):c.2713A>C (p.Met905Leu)

Gene: PKD2 (polycystin 2, transient receptor potential cation channel; plus strand). Cytogenetic location: 4q22.1.
Variant type: single nucleotide variant.
Coding change: c.2713A>C on transcript NM_000297.4 (MANE Select); coding-DNA position 2713, A replaced by C.
Protein change: p.Met905Leu; replaces methionine 905 with leucine.
Molecular consequence: missense variant. On other transcripts: non-coding transcript variant (1).
Genome position (GRCh38, 1-based): chr4:88,075,500, A>C. VCF-style: chr4-88075500-A-C. GRCh37 (hg19) VCF-style: chr4-88996652-A-C.
Other names: c.2488A>C, p.Met830Leu (NM_001440544.1); c.2713A>C (NM_000297.3); short protein forms M905L, M830L.
Identifiers: ClinVar variation 4737906 (VCV004737906.2).

ClinVar aggregate classification (germline): Likely benign. Review status: criteria provided, multiple submitters, no conflicts (2 of 4 stars). 2 submissions from 2 submitters: Likely benign (2). Last evaluated 2025-12-11.

Conditions:
PKD2-related disorder. Also called: PKD2-related condition.
Autosomal dominant polycystic kidney disease. Identifiers: Orphanet 730, MedGen C0085413, MONDO:0004691.

gnomAD v4.1: 222 of 1,614,184 alleles (0.014%); highest among the groups gnomAD compares: South Asian, 0.22%; no homozygotes.

Submissions (2):

Labcorp Genetics (formerly Invitae), Labcorp
Classification: Likely benign for Autosomal dominant polycystic kidney disease. Last evaluated: 2025-12-11. Review status: criteria provided, single submitter. Criteria: Invitae Variant Classification Sherloc (09022015). Collection method: clinical testing. Allele origin: germline.

PreventionGenetics, part of Exact Sciences
Classification: Likely benign for PKD2-related condition. Last evaluated: 2025-11-07. Review status: criteria provided, single submitter. Criteria: ACMG Guidelines, 2015. Collection method: clinical testing. Allele origin: germline.
Comment: This variant is classified as likely benign based on ACMG/AMP sequence variant interpretation guidelines (Richards et al. 2015 PMID: 25741868, with internal and published modifications).